The following is an entry in ClinVar:

ClinVar aggregate classification (germline): Uncertain significance (1 of 4 stars; one submission).

Conditions:
Intellectual disability, autosomal recessive 53 (NEDHSCA). Also called: GLYCOSYLPHOSPHATIDYLINOSITOL BIOSYNTHESIS DEFECT 13; Mental retardation, autosomal recessive 53; NEURODEVELOPMENTAL DISORDER WITH OR WITHOUT HYPOTONIA, SEIZURES, AND CEREBELLAR ATROPHY. Identifiers: Orphanet 488635, MedGen C4310794, MONDO:0014832, OMIM 616917.

Allele frequency attached by ClinVar (database versions not stated): gnomAD exomes 0.00001; ESP Exome Variant Server 0.00008.
gnomAD v4.1: 18 of 1,614,120 alleles (0.0011%); highest among the groups gnomAD compares: Non-Finnish European, 0.0014%; no homozygotes.

Submission:

Labcorp Genetics (formerly Invitae), Labcorp
Classification: Uncertain significance for Intellectual disability, autosomal recessive 53. Last evaluated: 2022-03-22. Review status: criteria provided, single submitter. Criteria: Invitae Variant Classification Sherloc (09022015). Collection method: clinical testing. Allele origin: germline.
Comment: In summary, the available evidence is currently insufficient to determine the role of this variant in disease. Therefore, it has been classified as a Variant of Uncertain Significance. Algorithms developed to predict the effect of missense changes on protein structure and function output the following: SIFT: "Tolerated"; PolyPhen-2: "Benign"; Align-GVGD: "Class C0". The arginine amino acid residue is found in multiple mammalian species, which suggests that this missense change does not adversely affect protein function. This variant has not been reported in the literature in individuals affected with PIGG-related conditions. This variant is present in population databases (rs149347679, gnomAD 0.0009%). This sequence change replaces lysine, which is basic and polar, with arginine, which is basic and polar, at codon 417 of the PIGG protein (p.Lys417Arg).

NM_001127178.3(PIGG):c.1250A>G (p.Lys417Arg)

Gene: PIGG (phosphatidylinositol glycan anchor biosynthesis class G (EMM blood group); plus strand). Cytogenetic location: 4p16.3.
Variant type: single nucleotide variant.
Coding change: c.1250A>G on transcript NM_001127178.3 (MANE Select); coding-DNA position 1250, A replaced by G.
Protein change: p.Lys417Arg; replaces lysine 417 with arginine.
Molecular consequence: missense variant. On other transcripts: 5 prime UTR variant (2), non-coding transcript variant (10), intron variant (1).
Genome position (GRCh38, 1-based): chr4:521,191, A>G. VCF-style: chr4-521191-A-G. GRCh37 (hg19) VCF-style: chr4-514980-A-G.
Other names: c.983A>G, p.Lys328Arg (NM_001289051.2, NM_001289053.2, NM_001345986.2 and 1 more transcripts); c.851A>G, p.Lys284Arg (NM_001289052.2); c.884A>G, p.Lys295Arg (NM_001289055.2); c.221A>G, p.Lys74Arg (NM_001345988.2); c.1250A>G, p.Lys417Arg (NM_001345989.2, NM_017733.5); c.-238A>G (NM_001345990.2, NM_001345991.2); c.176A>G, p.Lys59Arg (NM_001345994.2); c.848-469A>G (NM_001289057.2); short protein forms K284R, K328R, K417R, K59R, K74R, K295R.
Identifiers: ClinVar variation 1373291 (VCV001373291.7), dbSNP rs149347679, ClinGen allele CA91064468.